The following is an entry in ClinVar:

ClinVar aggregate classification (germline): Uncertain significance (1 of 4 stars; one submission).

Allele frequency attached by ClinVar (database versions not stated): gnomAD exomes 0.00003; TOPMed 0.00003; gnomAD 0.00005; ESP Exome Variant Server 0.00008; ExAC 0.00009; 1000 Genomes Project 0.00020; 1000 Genomes Project 30x 0.00031.
gnomAD v4.1: 47 of 1,613,150 alleles (0.0029%); highest among the groups gnomAD compares: Non-Finnish European, 0.0035%; no homozygotes.

Submission:

CeGaT Center for Human Genetics Tuebingen
Classification: Uncertain significance. Last evaluated: 2024-04-01. Review status: criteria provided, single submitter. Criteria: CeGaT Center For Human Genetics Tuebingen Variant Classification Criteria Version 2. Collection method: clinical testing. Allele origin: germline. Affected: yes. Observed: 1 variant allele.
Comment: RYR3: PM2:Supporting, BP4

NM_001036.6(RYR3):c.1307T>C (p.Ile436Thr)

Gene: RYR3 (ryanodine receptor 3; plus strand). Cytogenetic location: 15q14.
Variant type: single nucleotide variant.
Coding change: c.1307T>C on transcript NM_001036.6 (MANE Select); coding-DNA position 1307, T replaced by C.
Protein change: p.Ile436Thr; replaces isoleucine 436 with threonine.
Molecular consequence: missense variant.
Genome position (GRCh38, 1-based): chr15:33,580,014, T>C. VCF-style: chr15-33580014-T-C. GRCh37 (hg19) VCF-style: chr15-33872215-T-C.
Other names: c.1307T>C, p.Ile436Thr (NM_001243996.4); short protein forms I436T.
Identifiers: ClinVar variation 3234313 (VCV003234313.20), dbSNP rs377261225, ClinGen allele CA7458100.